The following is an entry in ClinVar:

NM_013291.3(CPSF1):c.1032-3del

Gene: CPSF1 (cleavage and polyadenylation specific factor 1; minus strand). Cytogenetic location: 8q24.3.
Variant type: Deletion.
Coding change: c.1032-3del on transcript NM_013291.3 (MANE Select); 3 bases into the intron before coding-DNA position 1032, one base deleted (C; older notation c.1032-3delC).
Molecular consequence: intron variant.
Genome position (GRCh38, 1-based): chr8:144,399,871, G deleted on the plus strand (C on the coding strand, the reverse complement: CPSF1 is on the minus strand); the first of 5 consecutive G bases (chr8:144,399,871-144,399,875); deleting any one gives the same sequence. VCF-style (leftmost placement, unchanged base first): chr8-144399870-TG-T. GRCh37 (hg19) VCF-style: chr8-145625260-TG-T.
Other names: NC_000008.10:g.145625265del; c.1032-7del (NM_013291.3); c.1032-3delC (NM_013291.2).
Identifiers: ClinVar variation 4290967 (VCV004290967.2).

ClinVar aggregate classification (germline): Likely benign (1 of 4 stars; one submission).

Conditions:
CPSF1-related disorder. Also called: CPSF1-related condition.

Submissions (2):

PreventionGenetics, part of Exact Sciences
Classification: Likely benign for CPSF1-related condition. Last evaluated: 2025-12-04. Review status: criteria provided, single submitter. Criteria: ACMG Guidelines, 2015. Collection method: clinical testing. Allele origin: germline.
Comment: This variant is classified as likely benign based on ACMG/AMP sequence variant interpretation guidelines (Richards et al. 2015 PMID: 25741868, with internal and published modifications).

Dr. Peter K. Rogan Lab, Western University
No classification provided (evidence only). Condition: Malignant tumor of esophagus. Review status: no classification provided. Collection method: in vitro. Allele origin: not applicable. Functional consequence: retained intron. Not counted in ClinVar's aggregate classification.